The following is an entry in ClinVar:

NM_001171.6(ABCC6):c.4036C>A (p.Pro1346Thr)

Gene: ABCC6 (ATP binding cassette subfamily C member 6; minus strand). Cytogenetic location: 16p13.11.
Variant type: single nucleotide variant.
Coding change: c.4036C>A on transcript NM_001171.6 (MANE Select); coding-DNA position 4036, C replaced by A.
Protein change: p.Pro1346Thr; replaces proline 1346 with threonine.
Molecular consequence: missense variant. On other transcripts: non-coding transcript variant (4).
Genome position (GRCh38, 1-based): chr16:16,154,878, G>T on the plus strand (C>A on the coding strand, the complement: ABCC6 is on the minus strand). VCF-style: chr16-16154878-G-T. GRCh37 (hg19) VCF-style: chr16-16248735-G-T.
Other names: c.3694C>A, p.Pro1232Thr (NM_001351800.1); c.4003C>A, p.Pro1335Thr (NM_001440309.1); c.3868C>A, p.Pro1290Thr (NM_001440310.1); short protein forms P1335T, P1346T, P1290T, P1232T.
Identifiers: ClinVar variation 4745978 (VCV004745978.1).

ClinVar aggregate classification (germline): Uncertain significance (1 of 4 stars; one submission).

Submission:

Labcorp Genetics (formerly Invitae), Labcorp
Classification: Uncertain significance. Last evaluated: 2025-07-27. Review status: criteria provided, single submitter. Criteria: Invitae Variant Classification Sherloc (09022015). Collection method: clinical testing. Allele origin: germline.
Comment: This sequence change replaces proline, which is neutral and non-polar, with threonine, which is neutral and polar, at codon 1346 of the ABCC6 protein (p.Pro1346Thr). This variant is not present in population databases (gnomAD no frequency). This variant has not been reported in the literature in individuals affected with ABCC6-related conditions. Invitae Evidence Modeling of protein sequence and biophysical properties (such as structural, functional, and spatial information, amino acid conservation, physicochemical variation, residue mobility, and thermodynamic stability) indicates that this missense variant is expected to disrupt ABCC6 protein function with a positive predictive value of 80%. In summary, the available evidence is currently insufficient to determine the role of this variant in disease. Therefore, it has been classified as a Variant of Uncertain Significance.